The following is an entry in ClinVar:

ClinVar aggregate classification (germline): Likely benign. Review status: criteria provided, multiple submitters, no conflicts (2 of 4 stars). 5 submissions from 5 submitters: Likely benign (4). 1 of the submissions does not count toward it. Last evaluated 2026-02-02.

Conditions:
CDKN1B-related disorder. Also called: CDKN1B-related condition.
Hereditary cancer-predisposing syndrome. Also called: Tumor predisposition; Hereditary neoplastic syndrome; Neoplastic Syndromes, Hereditary; Hereditary Cancer Syndrome. Identifiers: Orphanet 140162, MedGen C0027672, MeSH D009386, MONDO:0015356.
Multiple endocrine neoplasia type 4. Also called: MULTIPLE ENDOCRINE NEOPLASIA, TYPE IV. Identifiers: Orphanet 276152, MedGen C1970712, MONDO:0012552, OMIM 610755.

Allele frequency attached by ClinVar (database versions not stated): gnomAD 0.00003; TOPMed 0.00004; gnomAD exomes 0.00005 and 0.00007; ExAC 0.00007.

Submissions (5):

Labcorp Genetics (formerly Invitae), Labcorp
Classification: Likely benign for Multiple endocrine neoplasia type 4. Last evaluated: 2026-02-02. Review status: criteria provided, single submitter. Criteria: Invitae Variant Classification Sherloc (09022015). Collection method: clinical testing. Allele origin: germline.

PreventionGenetics, part of Exact Sciences
Classification: Likely benign for CDKN1B-related condition. Last evaluated: 2025-12-15. Review status: criteria provided, single submitter. Criteria: ACMG Guidelines, 2015. Collection method: clinical testing. Allele origin: germline.
Comment: This variant is classified as likely benign based on ACMG/AMP sequence variant interpretation guidelines (Richards et al. 2015 PMID: 25741868, with internal and published modifications).

Ambry Genetics
Classification: Likely benign for Hereditary cancer-predisposing syndrome. Last evaluated: 2017-10-09. Review status: criteria provided, single submitter. Criteria: Ambry Variant Classification Scheme 2023. Collection method: clinical testing. Allele origin: germline.

Clinical Genetics DNA and cytogenetics Diagnostics Lab, Erasmus MC, Erasmus Medical Center
Classification: Likely benign for Multiple endocrine neoplasia type 4. Last evaluated: 2017-06-28. Review status: criteria provided, single submitter. Criteria: ACGS Guidelines, 2013. Collection method: clinical testing. Allele origin: germline. Affected: yes. Study: VKGL Data-share Consensus.

Diagnostic Laboratory, Department of Genetics, University Medical Center Groningen
Classification: Likely benign for Multiple endocrine neoplasia type 4. Review status: no assertion criteria provided. Collection method: clinical testing. Allele origin: germline. Affected: yes. Study: VKGL Data-share Consensus. Not counted in ClinVar's aggregate classification.

NM_004064.5(CDKN1B):c.294C>T (p.Ala98=)

Gene: CDKN1B (cyclin dependent kinase inhibitor 1B; plus strand). Cytogenetic location: 12p13.1.
Variant type: single nucleotide variant.
Coding change: c.294C>T on transcript NM_004064.5 (MANE Select); coding-DNA position 294, C replaced by T.
Protein change: p.Ala98=; no amino-acid change (alanine 98 retained).
Molecular consequence: synonymous variant.
Genome position (GRCh38, 1-based): chr12:12,718,133, C>T. VCF-style: chr12-12718133-C-T. GRCh37 (hg19) VCF-style: chr12-12871067-C-T.
Identifiers: ClinVar variation 469018 (VCV000469018.18), dbSNP rs768919562, ClinGen allele CA6457453.